The following is an entry in ClinVar:

ClinVar aggregate classification (germline): Uncertain significance. Review status: criteria provided, multiple submitters, no conflicts (2 of 4 stars). 2 submissions from 2 submitters: Uncertain significance (2). Last evaluated 2024-05-06.

Conditions:
Primary hyperoxaluria, type I (HP1). Also called: OXALOSIS I; Primary hyperoxaluria type 1; GLYCOLIC ACIDURIA; HEPATIC AGT DEFICIENCY. Identifiers: Orphanet 416, Orphanet 93598, MedGen C0268164, MONDO:0009823, OMIM 259900. Disease mechanism: loss of function.

Allele frequency attached by ClinVar (database versions not stated): gnomAD exomes below 0.00001; ExAC 0.00001; gnomAD 0.00001; TOPMed 0.00001; ESP Exome Variant Server 0.00008.
gnomAD v4.1: 7 of 1,613,728 alleles (0.00043%); highest among the groups gnomAD compares: African/African-American, 0.004%; no homozygotes.

Submissions (2):

Genomic Research Center, Shahid Beheshti University of Medical Sciences
Classification: Uncertain significance for Primary hyperoxaluria, type I. Last evaluated: 2024-05-06. Review status: criteria provided, single submitter. Criteria: ACMG Guidelines, 2015. Collection method: clinical testing. Allele origin: germline.

Rare Kidney Stone Consortium and the Mayo Clinic Hyperoxaluria Center, Mayo Clinic
Classification: Uncertain significance for Primary hyperoxaluria, type I. Last evaluated: 2023-10-27. Review status: criteria provided, single submitter. Criteria: ACMG Guidelines, 2015. Collection method: curation. Allele origin: germline.
Comment: ACMG:PM2 PP3

Literature cited by the submitters: PubMed 25644115 (cited by Rare Kidney Stone Consortium and the Mayo Clinic Hyperoxaluria Center, Mayo Clinic).

NM_000030.3(AGXT):c.710C>T (p.Pro237Leu)

Gene: AGXT (alanine--glyoxylate aminotransferase; plus strand). Cytogenetic location: 2q37.3.
Variant type: single nucleotide variant.
Coding change: c.710C>T on transcript NM_000030.3 (MANE Select); coding-DNA position 710, C replaced by T.
Protein change: p.Pro237Leu; replaces proline 237 with leucine.
Molecular consequence: missense variant.
Genome position (GRCh38, 1-based): chr2:240,875,138, C>T. VCF-style: chr2-240875138-C-T. GRCh37 (hg19) VCF-style: chr2-241814555-C-T.
Other names: short protein forms P237L.
Identifiers: ClinVar variation 2664129 (VCV002664129.3), dbSNP rs374029419, ClinGen allele CA2209215.
Genomic context (GRCh38, chr2:240,875,138, plus strand): 5'-GCTGGTGCTCAGCCTGCTTCTTTCTCCCCAGAAAGAAGATGTACTCCCGCAAGACGAAGC[C>T]CTTCTCCTTCTACCTGGACATCAAGTGGCTGGCCAACTTCTGGGGCTGTGACGACCAGCC-3'
Protein context (NP_000021.1, residues 227-247): KKKMYSRKTK[Pro237Leu]FSFYLDIKWL